The following is an entry in ClinVar:

ClinVar aggregate classification (germline): Likely benign. Review status: criteria provided, single submitter (1 of 4 stars). 2 submissions from 2 submitters: Likely benign (1). 1 of the submissions does not count toward it. Last evaluated 2022-11-01.

Conditions:
TJP1-related disorder. Also called: TJP1-related condition.

Allele frequency attached by ClinVar (database versions not stated): ESP Exome Variant Server 0.00411; gnomAD 0.00432; 1000 Genomes Project 0.00499; 1000 Genomes Project 30x 0.00547; ExAC 0.00602.
gnomAD v4.1: 9,282 of 1,581,032 alleles (0.59%); highest among the groups gnomAD compares: Middle Eastern, 1.2%; 30 homozygotes.

Submissions (28):

CeGaT Center for Human Genetics Tuebingen
Classification: Likely benign. Last evaluated: 2022-11-01. Review status: criteria provided, single submitter. Criteria: CeGaT Center For Human Genetics Tuebingen Variant Classification Criteria Version 2. Collection method: clinical testing. Allele origin: germline. Affected: yes. Observed: 1 variant allele.
Comment: TJP1: PP3, BS2

PreventionGenetics, part of Exact Sciences
Classification: Likely benign for TJP1-related condition. Last evaluated: 2019-02-25. Review status: no assertion criteria provided. Collection method: clinical testing. Allele origin: germline. Not counted in ClinVar's aggregate classification.
Comment: This variant is classified as likely benign based on ACMG/AMP sequence variant interpretation guidelines (Richards et al. 2015 PMID: 25741868, with internal and published modifications).

Dr. Peter K. Rogan Lab, Western University
No classification provided (evidence only). Condition: Malignant tumor of urinary bladder. Review status: no classification provided. Collection method: in vitro. Allele origin: not applicable. Functional consequence: retained intron. Not counted in ClinVar's aggregate classification.

Dr. Peter K. Rogan Lab, Western University
No classification provided (evidence only). Condition: Clear cell carcinoma of kidney. Review status: no classification provided. Collection method: in vitro. Allele origin: not applicable. Functional consequence: retained intron. Not counted in ClinVar's aggregate classification.

Dr. Peter K. Rogan Lab, Western University
No classification provided (evidence only). Condition: Clear cell carcinoma of kidney. Review status: no classification provided. Collection method: in vitro. Allele origin: not applicable. Functional consequence: retained intron. Not counted in ClinVar's aggregate classification.

Dr. Peter K. Rogan Lab, Western University
No classification provided (evidence only). Condition: Lung cancer. Review status: no classification provided. Collection method: in vitro. Allele origin: not applicable. Functional consequence: retained intron. Not counted in ClinVar's aggregate classification.

Dr. Peter K. Rogan Lab, Western University
No classification provided (evidence only). Condition: Lung cancer. Review status: no classification provided. Collection method: in vitro. Allele origin: not applicable. Functional consequence: retained intron. Not counted in ClinVar's aggregate classification.

Dr. Peter K. Rogan Lab, Western University
No classification provided (evidence only). Condition: Lung cancer. Review status: no classification provided. Collection method: in vitro. Allele origin: not applicable. Functional consequence: retained intron. Not counted in ClinVar's aggregate classification.

Dr. Peter K. Rogan Lab, Western University
No classification provided (evidence only). Condition: Lung cancer. Review status: no classification provided. Collection method: in vitro. Allele origin: not applicable. Functional consequence: retained intron. Not counted in ClinVar's aggregate classification.

Dr. Peter K. Rogan Lab, Western University
No classification provided (evidence only). Condition: Lung cancer. Review status: no classification provided. Collection method: in vitro. Allele origin: not applicable. Functional consequence: retained intron. Not counted in ClinVar's aggregate classification.

Dr. Peter K. Rogan Lab, Western University
No classification provided (evidence only). Condition: Melanoma. Review status: no classification provided. Collection method: in vitro. Allele origin: not applicable. Functional consequence: retained intron. Not counted in ClinVar's aggregate classification.

Dr. Peter K. Rogan Lab, Western University
No classification provided (evidence only). Condition: Melanoma. Review status: no classification provided. Collection method: in vitro. Allele origin: not applicable. Functional consequence: retained intron. Not counted in ClinVar's aggregate classification.

Dr. Peter K. Rogan Lab, Western University
No classification provided (evidence only). Condition: Familial cancer of breast. Review status: no classification provided. Collection method: in vitro. Allele origin: not applicable. Functional consequence: retained intron. Not counted in ClinVar's aggregate classification.

Dr. Peter K. Rogan Lab, Western University
No classification provided (evidence only). Condition: Familial cancer of breast. Review status: no classification provided. Collection method: in vitro. Allele origin: not applicable. Functional consequence: retained intron. Not counted in ClinVar's aggregate classification.

Dr. Peter K. Rogan Lab, Western University
No classification provided (evidence only). Condition: Colon adenocarcinoma. Review status: no classification provided. Collection method: in vitro. Allele origin: not applicable. Functional consequence: retained intron. Not counted in ClinVar's aggregate classification.

Dr. Peter K. Rogan Lab, Western University
No classification provided (evidence only). Condition: Thyroid cancer, nonmedullary, 1. Review status: no classification provided. Collection method: in vitro. Allele origin: not applicable. Functional consequence: retained intron. Not counted in ClinVar's aggregate classification.

Dr. Peter K. Rogan Lab, Western University
No classification provided (evidence only). Condition: Thyroid cancer, nonmedullary, 1. Review status: no classification provided. Collection method: in vitro. Allele origin: not applicable. Functional consequence: retained intron. Not counted in ClinVar's aggregate classification.

Dr. Peter K. Rogan Lab, Western University
No classification provided (evidence only). Condition: Thyroid cancer, nonmedullary, 1. Review status: no classification provided. Collection method: in vitro. Allele origin: not applicable. Functional consequence: retained intron. Not counted in ClinVar's aggregate classification.

Dr. Peter K. Rogan Lab, Western University
No classification provided (evidence only). Condition: Thyroid cancer, nonmedullary, 1. Review status: no classification provided. Collection method: in vitro. Allele origin: not applicable. Functional consequence: retained intron. Not counted in ClinVar's aggregate classification.

Dr. Peter K. Rogan Lab, Western University
No classification provided (evidence only). Condition: Nonpapillary renal cell carcinoma. Review status: no classification provided. Collection method: in vitro. Allele origin: not applicable. Functional consequence: retained intron. Not counted in ClinVar's aggregate classification.

Dr. Peter K. Rogan Lab, Western University
No classification provided (evidence only). Condition: Ovarian serous cystadenocarcinoma. Review status: no classification provided. Collection method: in vitro. Allele origin: not applicable. Functional consequence: retained intron. Not counted in ClinVar's aggregate classification.

Dr. Peter K. Rogan Lab, Western University
No classification provided (evidence only). Condition: Ovarian serous cystadenocarcinoma. Review status: no classification provided. Collection method: in vitro. Allele origin: not applicable. Functional consequence: retained intron. Not counted in ClinVar's aggregate classification.

Dr. Peter K. Rogan Lab, Western University
No classification provided (evidence only). Condition: Ovarian serous cystadenocarcinoma. Review status: no classification provided. Collection method: in vitro. Allele origin: not applicable. Functional consequence: retained intron. Not counted in ClinVar's aggregate classification.

Dr. Peter K. Rogan Lab, Western University
No classification provided (evidence only). Condition: Ovarian serous cystadenocarcinoma. Review status: no classification provided. Collection method: in vitro. Allele origin: not applicable. Functional consequence: retained intron. Not counted in ClinVar's aggregate classification.

Dr. Peter K. Rogan Lab, Western University
No classification provided (evidence only). Condition: Gastric cancer. Review status: no classification provided. Collection method: in vitro. Allele origin: not applicable. Functional consequence: retained intron. Not counted in ClinVar's aggregate classification.

Dr. Peter K. Rogan Lab, Western University
No classification provided (evidence only). Condition: Gastric cancer. Review status: no classification provided. Collection method: in vitro. Allele origin: not applicable. Functional consequence: retained intron. Not counted in ClinVar's aggregate classification.

Dr. Peter K. Rogan Lab, Western University
No classification provided (evidence only). Condition: Uterine carcinosarcoma. Review status: no classification provided. Collection method: in vitro. Allele origin: not applicable. Functional consequence: retained intron. Not counted in ClinVar's aggregate classification.

Dr. Peter K. Rogan Lab, Western University
No classification provided (evidence only). Condition: Malignant tumor of esophagus. Review status: no classification provided. Collection method: in vitro. Allele origin: not applicable. Functional consequence: retained intron. Not counted in ClinVar's aggregate classification.

NM_001330239.4(TJP1):c.2415G>A (p.Ala805=)

Gene: TJP1 (tight junction protein 1; minus strand). Cytogenetic location: 15q13.1.
Variant type: single nucleotide variant.
Coding change: c.2415G>A on transcript NM_001330239.4 (MANE Select); coding-DNA position 2415, G replaced by A.
Protein change: p.Ala805=; no amino-acid change (alanine 805 retained).
Molecular consequence: synonymous variant.
Genome position (GRCh38, 1-based): chr15:29,720,706, C>T on the plus strand (G>A on the coding strand, the complement: TJP1 is on the minus strand). VCF-style: chr15-29720706-C-T. GRCh37 (hg19) VCF-style: chr15-30012910-C-T.
Other names: NC_000015.9:g.30012910C>T; c.2415G>A, p.Ala805= (NM_175610.4, NM_001355014.2, NM_001355015.2 and 1 more transcripts); c.2694G>A, p.Ala898= (NM_001355012.2, NM_001301025.3); c.2427G>A, p.Ala809= (NM_001355013.1, NM_001301026.2); c.2694G>A (NM_001355012.1).
Identifiers: ClinVar variation 2645098 (VCV002645098.26), dbSNP rs147136553, ClinGen allele CA7447010.